The following is an entry in ClinVar:

NM_001048174.2(MUTYH):c.1214C>G (p.Ala405Gly)

Gene: MUTYH (mutY DNA glycosylase; minus strand). Cytogenetic location: 1p34.1.
Variant type: single nucleotide variant.
Coding change: c.1214C>G on transcript NM_001048174.2 (MANE Select); coding-DNA position 1214, C replaced by G.
Protein change: p.Ala405Gly; replaces alanine 405 with glycine.
Molecular consequence: missense variant. On other transcripts: non-coding transcript variant (2).
Genome position (GRCh38, 1-based): chr1:45,331,445, G>C on the plus strand (C>G on the coding strand, the complement: MUTYH is on the minus strand). VCF-style: chr1-45331445-G-C. GRCh37 (hg19) VCF-style: chr1-45797117-G-C.
Other names: c.1214C>G, p.Ala405Gly (NM_001048171.2, NM_001048173.2, NM_001293195.2); c.1217C>G, p.Ala406Gly (NM_001048172.2); c.1298C>G, p.Ala433Gly (NM_001128425.2); c.1259C>G, p.Ala420Gly (NM_001293190.2); c.1247C>G, p.Ala416Gly (NM_001293191.2); c.938C>G, p.Ala313Gly (NM_001293192.2, NM_001293196.2); c.869C>G, p.Ala290Gly (NM_001350650.2, NM_001350651.2); c.1289C>G, p.Ala430Gly (NM_012222.3); short protein forms A433G, A416G, A405G, A313G, A406G, A430G, A290G, A420G.
Identifiers: ClinVar variation 569929 (VCV000569929.10), dbSNP rs1557459395, ClinGen allele CA340132868.

ClinVar aggregate classification (germline): Conflicting classifications of pathogenicity. Review status: criteria provided, conflicting classifications (1 of 4 stars). 3 submissions from 3 submitters: Uncertain significance (2); Benign (1). Last evaluated 2025-09-09.

Conditions:
Hereditary cancer-predisposing syndrome. Also called: Tumor predisposition; Neoplastic Syndromes, Hereditary; Hereditary neoplastic syndrome; Hereditary Cancer Syndrome. Identifiers: Orphanet 140162, MedGen C0027672, MeSH D009386, MONDO:0015356.
Familial adenomatous polyposis 2. Also called: MYH-associated polyposis; FAP type 2; COLORECTAL ADENOMATOUS POLYPOSIS, AUTOSOMAL RECESSIVE; ADENOMAS, MULTIPLE COLORECTAL, AUTOSOMAL RECESSIVE; MUTYH-related attenuated familial adenomatous polyposis; MUTYH Polyposis. Identifiers: Orphanet 220460, Orphanet 247798, MedGen C3272841, MONDO:0012041, OMIM 608456.

Submissions (3):

Ambry Genetics
Classification: Benign for Hereditary cancer-predisposing syndrome. Last evaluated: 2025-09-09. Review status: criteria provided, single submitter. Criteria: Ambry Variant Classification Scheme 2023. Collection method: clinical testing. Allele origin: germline.

Color Diagnostics, LLC DBA Color Health
Classification: Uncertain significance for Hereditary cancer-predisposing syndrome. Last evaluated: 2025-06-17. Review status: criteria provided, single submitter. Criteria: ACMG Guidelines, 2015. Collection method: clinical testing. Allele origin: germline.
Comment: This missense variant replaces alanine with glycine at codon 433 of the MUTYH protein. Computational prediction suggests that this variant may not impact protein structure and function. To our knowledge, functional studies have not been reported for this variant. This variant has not been reported in individuals affected with MUTYH-related disorders in the literature. This variant has not been identified in the general population by the Genome Aggregation Database (gnomAD). The available evidence is insufficient to determine the role of this variant in disease conclusively. Therefore, this variant is classified as a Variant of Uncertain Significance.

Labcorp Genetics (formerly Invitae), Labcorp
Classification: Uncertain significance for Familial adenomatous polyposis 2. Last evaluated: 2018-05-30. Review status: criteria provided, single submitter. Criteria: Invitae Variant Classification Sherloc (09022015). Collection method: clinical testing. Allele origin: germline.
Comment: In summary, the available evidence is currently insufficient to determine the role of this variant in disease. Therefore, it has been classified as a Variant of Uncertain Significance. Algorithms developed to predict the effect of missense changes on protein structure and function (SIFT, PolyPhen-2, Align-GVGD) all suggest that this variant is likely to be tolerated, but these predictions have not been confirmed by published functional studies and their clinical significance is uncertain. This variant has not been reported in the literature in individuals with MUTYH-related disease. This variant is not present in population databases (ExAC no frequency). This sequence change replaces alanine with glycine at codon 433 of the MUTYH protein (p.Ala433Gly). The alanine residue is weakly conserved and there is a small physicochemical difference between alanine and glycine.

Literature cited by the submitters: PubMed 40738107 (cited by Ambry Genetics).